The following is an entry in ClinVar:

NM_000936.4(PNLIP):c.1061G>A (p.Arg354His)

Gene: PNLIP (pancreatic lipase; plus strand). Cytogenetic location: 10q25.3.
Variant type: single nucleotide variant.
Coding change: c.1061G>A on transcript NM_000936.4 (MANE Select); coding-DNA position 1061, G replaced by A.
Protein change: p.Arg354His; replaces arginine 354 with histidine.
Molecular consequence: missense variant.
Genome position (GRCh38, 1-based): chr10:116,560,416, G>A. VCF-style: chr10-116560416-G-A. GRCh37 (hg19) VCF-style: chr10-118319928-G-A.
Other names: short protein forms R354H.
Identifiers: ClinVar variation 2864256 (VCV002864256.3), dbSNP rs2493062616, ClinGen allele CA378497850.

ClinVar aggregate classification (germline): Uncertain significance (1 of 4 stars; one submission).

Submission:

Labcorp Genetics (formerly Invitae), Labcorp
Classification: Uncertain significance. Last evaluated: 2023-05-14. Review status: criteria provided, single submitter. Criteria: Invitae Variant Classification Sherloc (09022015). Collection method: clinical testing. Allele origin: germline.
Comment: In summary, the available evidence is currently insufficient to determine the role of this variant in disease. Therefore, it has been classified as a Variant of Uncertain Significance. An algorithm developed to predict the effect of missense changes on protein structure and function (PolyPhen-2) suggests that this variant is likely to be disruptive. This variant has not been reported in the literature in individuals affected with PNLIP-related conditions. This variant is not present in population databases (gnomAD no frequency). This sequence change replaces arginine, which is basic and polar, with histidine, which is basic and polar, at codon 354 of the PNLIP protein (p.Arg354His).